The following is an entry in ClinVar:

ClinVar aggregate classification (germline): Uncertain significance (1 of 4 stars; one submission).

Submission:

Labcorp Genetics (formerly Invitae), Labcorp
Classification: Uncertain significance. Last evaluated: 2022-08-12. Review status: criteria provided, single submitter. Criteria: Invitae Variant Classification Sherloc (09022015). Collection method: clinical testing. Allele origin: germline.
Comment: This sequence change replaces serine, which is neutral and polar, with alanine, which is neutral and non-polar, at codon 1643 of the EYS protein (p.Ser1643Ala). This variant is not present in population databases (gnomAD no frequency). This variant has not been reported in the literature in individuals affected with EYS-related conditions. Algorithms developed to predict the effect of missense changes on protein structure and function output the following: SIFT: "Tolerated"; PolyPhen-2: "Benign"; Align-GVGD: "Class C0". The alanine amino acid residue is found in multiple mammalian species, which suggests that this missense change does not adversely affect protein function. In summary, the available evidence is currently insufficient to determine the role of this variant in disease. Therefore, it has been classified as a Variant of Uncertain Significance.

NM_001142800.2(EYS):c.4927T>G (p.Ser1643Ala)

Gene: EYS (EGF-like photoreceptor maintenance factor; minus strand). Cytogenetic location: 6q12.
Variant type: single nucleotide variant.
Coding change: c.4927T>G on transcript NM_001142800.2 (MANE Select); coding-DNA position 4927, T replaced by G.
Protein change: p.Ser1643Ala; replaces serine 1643 with alanine.
Molecular consequence: missense variant.
Genome position (GRCh38, 1-based): chr6:64,590,940, A>C on the plus strand (T>G on the coding strand, the complement: EYS is on the minus strand). VCF-style: chr6-64590940-A-C. GRCh37 (hg19) VCF-style: chr6-65300833-A-C.
Other names: c.4927T>G, p.Ser1643Ala (NM_001292009.2); short protein forms S1643A.
Identifiers: ClinVar variation 1716269 (VCV001716269.5), dbSNP rs1157283483, ClinGen allele CA364782234.